The following is an entry in ClinVar:

NM_001303256.3(MORC2):c.1812+1G>A

Gene: MORC2 (MORC family CW-type zinc finger 2; minus strand). Cytogenetic location: 22q12.2.
Variant type: single nucleotide variant.
Coding change: c.1812+1G>A on transcript NM_001303256.3 (MANE Select); the canonical splice donor site of the intron after coding-DNA position 1812, G replaced by A.
Molecular consequence: splice donor variant.
Genome position (GRCh38, 1-based): chr22:30,935,247, C>T on the plus strand (G>A on the coding strand, the complement: MORC2 is on the minus strand). VCF-style: chr22-30935247-C-T. GRCh37 (hg19) VCF-style: chr22-31331234-C-T.
Other names: c.1812+1G>A (NM_001303257.2); c.1626+1G>A (NM_014941.3).
Identifiers: ClinVar variation 2136204 (VCV002136204.1), dbSNP rs2517581130, ClinGen allele CA411236150.

ClinVar aggregate classification (germline): Uncertain significance (1 of 4 stars; one submission).

Submission:

GeneDx
Classification: Uncertain significance. Last evaluated: 2022-07-13. Review status: criteria provided, single submitter. Criteria: GeneDx Variant Classification Process June 2021. Collection method: clinical testing. Allele origin: germline. Affected: yes.
Comment: Canonical splice site variant in a gene for which loss-of-function is not a known mechanism of disease; Not observed at significant frequency in large population cohorts (gnomAD); Has not been previously published as pathogenic or benign to our knowledge